The following is an entry in ClinVar:

NM_058195.4(CDKN2A):c.69C>A (p.Phe23Leu)

Gene: CDKN2A (cyclin dependent kinase inhibitor 2A; minus strand). Cytogenetic location: 9p21.3.
Variant type: single nucleotide variant.
Coding change: c.69C>A on transcript NM_058195.4 (MANE Plus Clinical); coding-DNA position 69, C replaced by A.
Protein change: p.Phe23Leu; replaces phenylalanine 23 with leucine.
Molecular consequence: missense variant. On other transcripts: intron variant (1).
Genome position (GRCh38, 1-based): chr9:21,994,263, G>T on the plus strand (C>A on the coding strand, the complement: CDKN2A is on the minus strand). VCF-style: chr9-21994263-G-T. GRCh37 (hg19) VCF-style: chr9-21994262-G-T.
Other names: c.-4+558C>A (NM_001363763.2); short protein forms F23L.
Identifiers: ClinVar variation 372023 (VCV000372023.8), dbSNP rs374360796, ClinGen allele CA5012396.
Genomic context (GRCh38, chr9:21,994,263, plus strand): 5'-CACAGCGGCGGGCGCCCCTGGCGCTGCCCACTCCCCCGTGAGCCGCGGGATGTGAACCAC[G>T]AAAACCCTCACTCGCGGCGGGCCGCACGCGCGCCGAATCCGGAGGGTCACCAAGAACCTG-3'
Protein context (NP_478102.2, residues 13-33): RACGPPRVRV[Phe23Leu]VVHIPRLTGE

ClinVar aggregate classification (germline): Uncertain significance. Review status: criteria provided, multiple submitters, no conflicts (2 of 4 stars). 3 submissions from 3 submitters: Uncertain significance (2). 1 of the submissions does not count toward it. Last evaluated 2023-04-21.

Conditions:
Melanoma-pancreatic cancer syndrome. Identifiers: Orphanet 404560, MedGen C1838547, MONDO:0011713, OMIM 606719. Disease mechanism: loss of function.
Hereditary cancer-predisposing syndrome. Also called: Neoplastic Syndromes, Hereditary; Hereditary neoplastic syndrome; Hereditary Cancer Syndrome; Tumor predisposition. Identifiers: Orphanet 140162, MedGen C0027672, MeSH D009386, MONDO:0015356.

gnomAD v4.1: 2 of 1,605,802 alleles (0.00012%); highest among the groups gnomAD compares: Admixed American, 0.0017%; no homozygotes.

Submissions (3):

Myriad Genetics, Inc.
Classification: Uncertain significance for Melanoma-pancreatic cancer syndrome. Last evaluated: 2023-04-21. Review status: criteria provided, single submitter. Criteria: Myriad Autosomal Dominant, Autosomal Recessive and X-Linked Classification Criteria (2023). Collection method: clinical testing. Allele origin: unknown.
Comment: This variant is classified as a variant of uncertain significance as there is insufficient evidence to determine its impact on protein function and/or cancer risk.

Ambry Genetics
Classification: Uncertain significance for Hereditary cancer-predisposing syndrome. Last evaluated: 2020-12-04. Review status: criteria provided, single submitter. Criteria: Ambry Variant Classification Scheme 2023. Collection method: clinical testing. Allele origin: germline.
Comment: The p.F23L variant (also known as c.69C>A), located in coding exon 1 of the CDKN2A gene, results from a C to A substitution at nucleotide position 69. The phenylalanine at codon 23 is replaced by leucine, an amino acid with highly similar properties. This amino acid position is not well conserved in available vertebrate species. In addition, the in silico prediction for this alteration is inconclusive. Since supporting evidence is limited at this time, the clinical significance of this alteration remains unclear.

Counsyl
Classification: Uncertain significance for Melanoma-pancreatic cancer syndrome. Last evaluated: 2016-10-21. Review status: no assertion criteria provided. Collection method: clinical testing. Allele origin: unknown. Not counted in ClinVar's aggregate classification.